The following is an entry in ClinVar:

NM_000726.5(CACNB4):c.1109G>C (p.Cys370Ser)

Gene: CACNB4 (calcium voltage-gated channel auxiliary subunit beta 4; minus strand). Cytogenetic location: 2q23.3.
Variant type: single nucleotide variant.
Coding change: c.1109G>C on transcript NM_000726.5 (MANE Select); coding-DNA position 1109, G replaced by C.
Protein change: p.Cys370Ser; replaces cysteine 370 with serine.
Molecular consequence: missense variant.
Genome position (GRCh38, 1-based): chr2:151,853,455, C>G on the plus strand (G>C on the coding strand, the complement: CACNB4 is on the minus strand). VCF-style: chr2-151853455-C-G. GRCh37 (hg19) VCF-style: chr2-152709969-C-G.
Other names: c.1055G>C, p.Cys352Ser (NM_001005746.4); c.1007G>C, p.Cys336Ser (NM_001005747.4); c.1109G>C, p.Cys370Ser (NM_001145798.3); c.968G>C, p.Cys323Ser (NM_001320722.3, NM_001330118.2); c.866G>C, p.Cys289Ser (NM_001330113.2); c.455G>C, p.Cys152Ser (NM_001330114.2); c.818G>C, p.Cys273Ser (NM_001330115.2); c.779G>C, p.Cys260Ser (NM_001330116.2); and 1 more; short protein forms C260S, C273S, C336S, C352S, C184S, C289S, C370S, C152S.
Identifiers: ClinVar variation 645853 (VCV000645853.8), dbSNP rs1306015107, ClinGen allele CA348789431.
Genomic context (GRCh38, chr2:151,853,455, plus strand): 5'-CACCCTCTTCTAACTAGTCAAGAATGATGAAGACAAAAAATGATCATACTTACTGGGGGG[C>G]ATTGTGCAAGTTTATCAGCTGCCACCAGTTGAACATTCAAGTGTTTACTTTGTGACTTTC-3'
Protein context (NP_000717.2, residues 360-380): QLVAADKLAQ[Cys370Ser]PPEMFDVILD

ClinVar aggregate classification (germline): Uncertain significance (1 of 4 stars; one submission).

Conditions:
Idiopathic generalized epilepsy. Also called: EIG; Generalised epilepsy. Identifiers: MedGen C0270850, MONDO:0005579, OMIM 600669.

Submission:

Labcorp Genetics (formerly Invitae), Labcorp
Classification: Uncertain significance for Idiopathic generalized epilepsy. Last evaluated: 2018-07-31. Review status: criteria provided, single submitter. Criteria: Invitae Variant Classification Sherloc (09022015). Collection method: clinical testing. Allele origin: germline.
Comment: This variant has not been reported in the literature in individuals with CACNB4-related disease. This sequence change replaces cysteine with serine at codon 370 of the CACNB4 protein (p.Cys370Ser). The cysteine residue is highly conserved and there is a moderate physicochemical difference between cysteine and serine. This variant is not present in population databases (ExAC no frequency). Algorithms developed to predict the effect of missense changes on protein structure and function are either unavailable or do not agree on the potential impact of this missense change (SIFT: "Tolerated"; PolyPhen-2: "Possibly Damaging"; Align-GVGD: "Class C0"). In summary, the available evidence is currently insufficient to determine the role of this variant in disease. Therefore, it has been classified as a Variant of Uncertain Significance.